The following is an entry in ClinVar:

NM_000443.4(ABCB4):c.2833C>T (p.Gln945Ter)

Gene: ABCB4 (ATP binding cassette subfamily B member 4; minus strand). Cytogenetic location: 7q21.12.
Variant type: single nucleotide variant.
Coding change: c.2833C>T on transcript NM_000443.4 (MANE Select); coding-DNA position 2833, C replaced by T.
Protein change: p.Gln945Ter; replaces glutamine 945 with a stop codon.
Molecular consequence: nonsense. On other transcripts: intron variant (1).
Genome position (GRCh38, 1-based): chr7:87,411,984, G>A on the plus strand (C>T on the coding strand, the complement: ABCB4 is on the minus strand). VCF-style: chr7-87411984-G-A. GRCh37 (hg19) VCF-style: chr7-87041300-G-A.
Other names: c.2833C>T (NM_000443.3); c.2833C>T, p.Gln945Ter (NM_018849.3); c.2783+1633C>T (NM_018850.3); short protein forms Q945*.
Identifiers: ClinVar variation 283134 (VCV000283134.13), dbSNP rs886042562, ClinGen allele CA10604403.

ClinVar aggregate classification (germline): Pathogenic/Likely pathogenic. Review status: criteria provided, multiple submitters, no conflicts (2 of 4 stars). 7 submissions from 7 submitters: Pathogenic (6); Likely pathogenic (1). Last evaluated 2026-06-09.

Conditions:
Familial intrahepatic cholestasis. Identifiers: Orphanet 284385, MedGen CN296401, MONDO:0017290.
Progressive familial intrahepatic cholestasis type 3. Also called: MDR3 DEFICIENCY; Low Gamma-GT Familial Intrahepatic Cholestasis. Identifiers: Orphanet 79305, MedGen C1865643, MONDO:0011214, OMIM 602347.
ABCB4-related disorder. Also called: ABCB4-related disorders; ABCB4-related condition.
Inborn genetic diseases. Identifiers: MedGen C0950123, MeSH D030342.

Allele frequency attached by ClinVar (database versions not stated): gnomAD 0.00001; gnomAD exomes 0.00001; TOPMed 0.00001.
gnomAD v4.1: 6 of 1,613,780 alleles (0.00037%); highest among the groups gnomAD compares: Non-Finnish European, 0.00051%; no homozygotes.

Submissions (7):

PreventionGenetics, part of Exact Sciences
Classification: Pathogenic for ABCB4-related condition. Last evaluated: 2026-06-09. Review status: criteria provided, single submitter. Criteria: ACMG Guidelines, 2015. Collection method: clinical testing. Allele origin: germline.
Comment: The ABCB4 c.2833C>T variant is predicted to result in premature protein termination (p.Gln945*). This variant has been reported the compound heterozygous state in an individual with familial intrahepatic cholestasis (Supplementary Table 4, Hertel et al. 2021. PubMed ID: 34016879) and along with another ABCB4 variant in an individual with intrahepatic cholestasis, although phase was not reported (Matte et al. 2010. PubMed ID: 20683201). This variant has not been reported in a large population database (gnomAD), indicating this variant is rare. In ClinVar this variant is interpreted as pathogenic (Variation ID: 283134). In summary, we interpret this variant as pathogenic.

Genomenon, Inc
Classification: Pathogenic for Familial intrahepatic cholestasis. Last evaluated: 2026-04-14. Review status: criteria provided, single submitter. Criteria: Genomenon Sequence Variant Interpretation Standards - Updated. Collection method: curation. Allele origin: germline. Affected: yes.
Comment: ABCB4 p.Gln945Ter (c.2833C>T) is a nonsense variant that introduces a premature stop codon at amino acid position 945, creating a truncated protein that is predicted to undergo nonsense-mediated mRNA decay. This variant has been observed in at least one proband with an ABCB4-related disorder (PMID:20683201). It is absent or not present at a significant frequency in gnomAD. In conclusion, we classify ABCB4 p.Gln945Ter (c.2833C>T) as a pathogenic variant.

Labcorp Genetics (formerly Invitae), Labcorp
Classification: Pathogenic. Last evaluated: 2026-01-07. Review status: criteria provided, single submitter. Criteria: Invitae Variant Classification Sherloc (09022015). Collection method: clinical testing. Allele origin: germline.
Comment: This sequence change creates a premature translational stop signal (p.Gln945*) in the ABCB4 gene. It is expected to result in an absent or disrupted protein product. Loss-of-function variants in ABCB4 are known to be pathogenic (PMID: 17726488, 25755532). This variant is present in population databases (no rsID available, gnomAD 0.007%). This premature translational stop signal has been observed in individual(s) with cholestasis (PMID: 20683201, 34016879). ClinVar contains an entry for this variant (Variation ID: 283134). Algorithms developed to predict the effect of sequence changes on RNA splicing suggest that this variant may disrupt the consensus splice site. For these reasons, this variant has been classified as Pathogenic.

Ambry Genetics
Classification: Pathogenic for Inborn genetic diseases. Last evaluated: 2025-08-05. Review status: criteria provided, single submitter. Criteria: Ambry Variant Classification Scheme 2023. Collection method: clinical testing. Allele origin: germline.
Comment: The c.2833C>T (p.Q945*) alteration, located in exon 23 (coding exon 22) of the ABCB4 gene, consists of a C to T substitution at nucleotide position 2833. This changes the amino acid from a glutamine (Q) to a stop codon at amino acid position 945. Loss-of-function variants are expected to result in loss of function by premature protein truncation or nonsense-mediated mRNA decay. However, this variant is predicted to cause in-frame exon skipping. The exact functional effect of this variant is unknown. This variant was not reported in population-based cohorts in the Genome Aggregation Database (gnomAD). This variant has been identified in the homozygous state and/or in conjunction with other ABCB4 variant(s) in individual(s) with features consistent with ABCB4 deficiency (Hertel, 2021; Matte, 2010). Based on the available evidence, this alteration is classified as pathogenic.

GeneDx
Classification: Likely pathogenic. Last evaluated: 2025-06-18. Review status: criteria provided, single submitter. Criteria: GeneDx Variant Classification Process June 2021. Collection method: clinical testing. Allele origin: germline. Affected: yes.
Comment: Reported in a patient with intrahepatic cholestasis in the published literature (PMID: 20683201); Nonsense variant predicted to result in protein truncation or nonsense mediated decay in a gene for which loss of function is a known mechanism of disease; Not observed at significant frequency in large population cohorts (gnomAD); This variant is associated with the following publications: (PMID: 25525159, 34016879, 20683201)

Pittsburgh Clinical Genomics Laboratory, University of Pittsburgh Medical Center
Classification: Pathogenic for Progressive familial intrahepatic cholestasis type 3. Last evaluated: 2022-09-14. Review status: criteria provided, single submitter. Criteria: ACMG Guidelines, 2015. Collection method: clinical testing. Allele origin: germline. Inheritance: Autosomal recessive inheritance. Affected: yes.
Comment: This sequence variant is a single nucleotide substitution (C>T) at coding position 2833 of the ABCB4 gene that changes the glutamine codon at position 945 to a premature temition sigl. This variant is predicted to generate a non-functiol allele through either the expression of a truncated protein, or a loss of ABCB4 expression due to nonsense mediated decay. This is a previously reported variant (ClinVar) that has been observed in a patient with cholestasis (PMID: 20683201). This variant is absent from the gnomAD control population dataset (0 of ~250,000 alleles). Because haploinsufficiency is a known mechanism of disease for ABCB4, we consider this variant to be likely pathogenic. ACMG Criteria: PM2, PVS1

Eurofins Ntd Llc (ga)
Classification: Pathogenic. Last evaluated: 2016-11-25. Review status: criteria provided, single submitter. Criteria: EGL Classification Definitions 2015. Collection method: clinical testing. Allele origin: germline. Observed: 2 variant alleles, 2 heterozygotes.

Literature cited by the submitters: PubMed 20683201 (cited by 4 submitters); PubMed 17726488 (cited by Labcorp Genetics (formerly Invitae), Labcorp); PubMed 25755532 (cited by Labcorp Genetics (formerly Invitae), Labcorp); PubMed 34016879 (cited by Labcorp Genetics (formerly Invitae), Labcorp and Ambry Genetics).